The following is an entry in ClinVar:

ClinVar aggregate classification (germline): Uncertain significance (1 of 4 stars; one submission).

Allele frequency attached by ClinVar (database versions not stated): gnomAD exomes below 0.00001.
gnomAD v4.1: 1 of 1,614,124 alleles (0.000062%); highest among the groups gnomAD compares: Admixed American, 0.0017%; no homozygotes.

Submission:

Labcorp Genetics (formerly Invitae), Labcorp
Classification: Uncertain significance. Last evaluated: 2023-04-17. Review status: criteria provided, single submitter. Criteria: Invitae Variant Classification Sherloc (09022015). Collection method: clinical testing. Allele origin: germline.
Comment: In summary, the available evidence is currently insufficient to determine the role of this variant in disease. Therefore, it has been classified as a Variant of Uncertain Significance. Advanced modeling of protein sequence and biophysical properties (such as structural, functional, and spatial information, amino acid conservation, physicochemical variation, residue mobility, and thermodynamic stability) has been performed at Invitae for this missense variant, however the output from this modeling did not meet the statistical confidence thresholds required to predict the impact of this variant on SRCAP protein function. This variant has not been reported in the literature in individuals affected with SRCAP-related conditions. This variant is present in population databases (no rsID available, gnomAD 0.003%). This sequence change replaces serine, which is neutral and polar, with threonine, which is neutral and polar, at codon 2120 of the SRCAP protein (p.Ser2120Thr).

NM_006662.3(SRCAP):c.6359G>C (p.Ser2120Thr)

Gene: SRCAP (Snf2 related CREBBP activator protein; plus strand). Cytogenetic location: 16p11.2.
Variant type: single nucleotide variant.
Coding change: c.6359G>C on transcript NM_006662.3 (MANE Select); coding-DNA position 6359, G replaced by C.
Protein change: p.Ser2120Thr; replaces serine 2120 with threonine.
Molecular consequence: missense variant.
Genome position (GRCh38, 1-based): chr16:30,733,663, G>C. VCF-style: chr16-30733663-G-C. GRCh37 (hg19) VCF-style: chr16-30744984-G-C.
Other names: short protein forms S2120T.
Identifiers: ClinVar variation 2781963 (VCV002781963.3), dbSNP rs1276337232, ClinGen allele CA395624415.